The following is an entry in ClinVar:

NM_006767.4(LZTR1):c.380G>C (p.Gly127Ala)

Gene: LZTR1 (leucine zipper like post translational regulator 1; plus strand). Cytogenetic location: 22q11.21.
Variant type: single nucleotide variant.
Coding change: c.380G>C on transcript NM_006767.4 (MANE Select); coding-DNA position 380, G replaced by C.
Protein change: p.Gly127Ala; replaces glycine 127 with alanine.
Molecular consequence: missense variant.
Genome position (GRCh38, 1-based): chr22:20,987,563, G>C. VCF-style: chr22-20987563-G-C. GRCh37 (hg19) VCF-style: chr22-21341852-G-C.
Other names: short protein forms G127A.
Identifiers: ClinVar variation 3626391 (VCV003626391.2).

ClinVar aggregate classification (germline): Uncertain significance (1 of 4 stars; one submission).

gnomAD v4.1: 1 of 1,614,122 alleles (0.000062%); highest among the groups gnomAD compares: Non-Finnish European, 0.000085%; no homozygotes.

Submission:

Labcorp Genetics (formerly Invitae), Labcorp
Classification: Uncertain significance. Last evaluated: 2024-05-22. Review status: criteria provided, single submitter. Criteria: Invitae Variant Classification Sherloc (09022015). Collection method: clinical testing. Allele origin: germline.
Comment: This sequence change replaces glycine, which is neutral and non-polar, with alanine, which is neutral and non-polar, at codon 127 of the LZTR1 protein (p.Gly127Ala). This variant is not present in population databases (gnomAD no frequency). This variant has not been reported in the literature in individuals affected with LZTR1-related conditions. Advanced modeling of protein sequence and biophysical properties (such as structural, functional, and spatial information, amino acid conservation, physicochemical variation, residue mobility, and thermodynamic stability) performed at Invitae indicates that this missense variant is not expected to disrupt LZTR1 protein function with a negative predictive value of 80%. In summary, the available evidence is currently insufficient to determine the role of this variant in disease. Therefore, it has been classified as a Variant of Uncertain Significance.